The following is an entry in ClinVar:

NM_001351132.2(PEX5):c.-17+273G>T

Gene: PEX5 (peroxisomal biogenesis factor 5; plus strand). Cytogenetic location: 12p13.31.
Variant type: single nucleotide variant.
Coding change: c.-17+273G>T on transcript NM_001351132.2 (MANE Select); 273 bases into the intron after 17 bases upstream of the start codon, G replaced by T.
Molecular consequence: intron variant. On other transcripts: 5 prime UTR variant (9).
Genome position (GRCh38, 1-based): chr12:7,190,023, G>T. VCF-style: chr12-7190023-G-T. GRCh37 (hg19) VCF-style: chr12-7342619-G-T.
Other names: c.-210G>T (NM_001131025.2, NM_001131026.2, NM_001351127.2 and 3 more transcripts); c.-355G>T (NM_001374647.2, NM_001374648.2, NM_001374649.2); c.-16-339G>T (NM_001351124.3, NM_001351131.2, NM_001351126.2); c.-17+273G>T (NM_001374646.1, NM_001131023.2, NM_001351138.2 and 4 more transcripts); c.-17+43G>T (NM_001351135.3, NM_001300789.3, NM_001351137.3); c.-89-266G>T (NM_001351134.2, NM_001351128.2); c.-15+273G>T (NM_001374645.1).
Identifiers: ClinVar variation 310414 (VCV000310414.5), dbSNP rs117442311, ClinGen allele CA6425957.

ClinVar aggregate classification (germline): Likely benign (1 of 4 stars; one submission).

Conditions:
Peroxisome biogenesis disorder 2A (Zellweger) (PBD2A). Also called: Cerebrohepatorenal syndrome, variant types. Identifiers: Orphanet 912, MedGen C3550273, MONDO:0008954, OMIM 214110.

Allele frequency attached by ClinVar (database versions not stated): ExAC 0.00010; gnomAD 0.00027 and 0.00046; TOPMed 0.00046; gnomAD exomes 0.00057 and 0.00115; 1000 Genomes Project 30x 0.00281; 1000 Genomes Project 0.00319.

Submission:

Illumina Laboratory Services, Illumina
Classification: Likely benign for Peroxisome biogenesis disorder 2A (Zellweger). Last evaluated: 2018-01-12. Review status: criteria provided, single submitter. Criteria: ICSL Variant Classification Criteria 13 December 2019. Collection method: clinical testing. Allele origin: germline.
Comment: This variant was observed in the ICSL laboratory as part of a predisposition screen in an ostensibly healthy population. It had not been previously curated by ICSL or reported in the Human Gene Mutation Database (HGMD: prior to June 1st, 2018), and was therefore a candidate for classification through an automated scoring system. Utilizing variant allele frequency, disease prevalence and penetrance estimates, and inheritance mode, an automated score was calculated to assess if this variant is too frequent to cause the disease. Based on the score and internal cut-off values, a variant classified as likely benign is not then subjected to further curation. The score for this variant resulted in a classification of likely benign for this disease.